The following is an entry in ClinVar:

NM_020884.7(MYH7B):c.1485_1486del (p.Met496fs)

Gene: MYH7B (myosin heavy chain 7B; plus strand). Cytogenetic location: 20q11.22.
Variant type: Microsatellite.
Coding change: c.1485_1486del on transcript NM_020884.7 (MANE Select); coding-DNA positions 1485 to 1486, 2 bases deleted (CA; older notation c.1485_1486delCA).
Protein change: p.Met496fs; shifts the reading frame from methionine 496.
Molecular consequence: frameshift variant.
Genome position (GRCh38, 1-based): chr20:34,988,160-34,988,161, CA deleted; deleting any 2 consecutive bases within chr20:34,988,158-34,988,161 gives the same sequence; the c. name uses the placement nearest the transcript's 3' end. VCF-style (leftmost placement, unchanged base first): chr20-34988157-GCA-G. GRCh37 (hg19) VCF-style: chr20-33575960-GCA-G.
Other names: short protein forms M496fs.
Identifiers: ClinVar variation 1443362 (VCV001443362.7), dbSNP rs1182141677, ClinGen allele CA635721445.

ClinVar aggregate classification (germline): Uncertain significance (1 of 4 stars; one submission).

Submission:

Labcorp Genetics (formerly Invitae), Labcorp
Classification: Uncertain significance. Last evaluated: 2025-07-10. Review status: criteria provided, single submitter. Criteria: Invitae Variant Classification Sherloc (09022015). Collection method: clinical testing. Allele origin: germline.
Comment: This sequence change creates a premature translational stop signal (p.Met538Valfs*23) in the MYH7B gene. It is expected to result in an absent or disrupted protein product. However, the current clinical and genetic evidence is not sufficient to establish whether loss-of-function variants in MYH7B cause disease. This variant is present in population databases (no rsID available, gnomAD 0.0009%). This variant has not been reported in the literature in individuals affected with MYH7B-related conditions. In summary, the available evidence is currently insufficient to determine the role of this variant in disease. Therefore, it has been classified as a Variant of Uncertain Significance.